The following is an entry in ClinVar:

ClinVar aggregate classification (germline): Uncertain significance. Review status: criteria provided, multiple submitters, no conflicts (2 of 4 stars). 2 submissions from 2 submitters: Uncertain significance (2). Last evaluated 2025-01-13.

Conditions:
Distal hereditary motor neuropathy type 2. Identifiers: Orphanet 139525, MedGen C3711384, MeSH C580044, MONDO:0015352.

Allele frequency attached by ClinVar (database versions not stated): TOPMed 0.00001.
gnomAD v4.1: 19 of 1,611,734 alleles (0.0012%); highest among the groups gnomAD compares: Non-Finnish European, 0.0016%; no homozygotes.

Submissions (2):

Labcorp Genetics (formerly Invitae), Labcorp
Classification: Uncertain significance for Distal hereditary motor neuropathy type 2. Last evaluated: 2025-01-13. Review status: criteria provided, single submitter. Criteria: Invitae Variant Classification Sherloc (09022015). Collection method: clinical testing. Allele origin: germline.
Comment: This sequence change falls in intron 14 of the FBXO38 gene. It does not directly change the encoded amino acid sequence of the FBXO38 protein. It affects a nucleotide within the consensus splice site. This variant is present in population databases (rs758236031, gnomAD 0.002%). This variant has not been reported in the literature in individuals affected with FBXO38-related conditions. ClinVar contains an entry for this variant (Variation ID: 841789). Variants that disrupt the consensus splice site are a relatively common cause of aberrant splicing (PMID: 17576681, 9536098). Algorithms developed to predict the effect of sequence changes on RNA splicing suggest that this variant is not likely to affect RNA splicing. In summary, the available evidence is currently insufficient to determine the role of this variant in disease. Therefore, it has been classified as a Variant of Uncertain Significance.

Ambry Genetics
Classification: Uncertain significance. Last evaluated: 2024-05-22. Review status: criteria provided, single submitter. Criteria: Ambry Variant Classification Scheme 2023. Collection method: clinical testing. Allele origin: germline.
Comment: Does not currently meet published gene-disease clinical validity criteria Based on insufficient or conflicting evidence, the clinical significance of this alteration remains unclear.

Literature cited by the submitters: PubMed 17576681 (cited by Labcorp Genetics (formerly Invitae), Labcorp); PubMed 9536098 (cited by Labcorp Genetics (formerly Invitae), Labcorp); PubMed 28106320 (cited by Ambry Genetics).

NM_205836.3(FBXO38):c.1918+3G>A

Gene: FBXO38 (F-box protein 38; plus strand). Cytogenetic location: 5q32.
Variant type: single nucleotide variant.
Coding change: c.1918+3G>A on transcript NM_205836.3 (MANE Select); 3 bases into the intron after coding-DNA position 1918, G replaced by A.
Molecular consequence: intron variant.
Genome position (GRCh38, 1-based): chr5:148,425,704, G>A. VCF-style: chr5-148425704-G-A. GRCh37 (hg19) VCF-style: chr5-147805267-G-A.
Other names: c.1918+3G>A (NM_030793.5, NM_001271723.2).
Identifiers: ClinVar variation 841789 (VCV000841789.50), dbSNP rs758236031, ClinGen allele CA3497407.
Genomic context (GRCh38, chr5:148,425,704, plus strand): 5'-CGTTACTCTGAACGTGAAGAAAAAACTGGAGAGTCAGTGCAGTCCAGAGAATTGTCAGGT[G>A]AGAAATTGTCTTTCTCTGAACTATTAATGAGAGTCACTATCAGAACTGACACACTTGGCC-3'